The following is an entry in ClinVar:

ClinVar aggregate classification (germline): Uncertain significance (1 of 4 stars; one submission).

Conditions:
Netherton syndrome (NETH). Also called: COMEL-NETHERTON SYNDROME; NETHERTON DISEASE; ERYTHRODERMA, ICHTHYOSIFORM, WITH HYPOTRICHOSIS AND HYPER-IgE. Identifiers: Orphanet 634, MedGen C5574950, MONDO:0009735, OMIM 256500.

Allele frequency attached by ClinVar (database versions not stated): gnomAD exomes below 0.00001 and 0.00001; ExAC 0.00001; gnomAD 0.00001; TOPMed 0.00001.
gnomAD v4.1: 5 of 1,611,570 alleles (0.00031%); highest among the groups gnomAD compares: African/African-American, 0.0027%; no homozygotes.

Submission:

Labcorp Genetics (formerly Invitae), Labcorp
Classification: Uncertain significance for Ichthyosis linearis circumflexa. Last evaluated: 2021-08-31. Review status: criteria provided, single submitter. Criteria: Invitae Variant Classification Sherloc (09022015). Collection method: clinical testing. Allele origin: germline.
Comment: This sequence change replaces asparagine with serine at codon 155 of the SPINK5 protein (p.Asn155Ser). The asparagine residue is moderately conserved and there is a small physicochemical difference between asparagine and serine. This variant is present in population databases (rs778100225, ExAC 0.006%). This variant has not been reported in the literature in individuals affected with SPINK5-related conditions. Algorithms developed to predict the effect of missense changes on protein structure and function output the following: SIFT: "Tolerated"; PolyPhen-2: "Benign"; Align-GVGD: "Class C0". The serine amino acid residue is found in multiple mammalian species, which suggests that this missense change does not adversely affect protein function. In summary, the available evidence is currently insufficient to determine the role of this variant in disease. Therefore, it has been classified as a Variant of Uncertain Significance.

NM_006846.4(SPINK5):c.464A>G (p.Asn155Ser)

Gene: SPINK5 (serine peptidase inhibitor Kazal type 5; plus strand). Cytogenetic location: 5q32.
Variant type: single nucleotide variant.
Coding change: c.464A>G on transcript NM_006846.4 (MANE Select); coding-DNA position 464, A replaced by G.
Protein change: p.Asn155Ser; replaces asparagine 155 with serine.
Molecular consequence: missense variant.
Genome position (GRCh38, 1-based): chr5:148,088,595, A>G. VCF-style: chr5-148088595-A-G. GRCh37 (hg19) VCF-style: chr5-147468158-A-G.
Other names: c.464A>G, p.Asn155Ser (NM_001127698.2, NM_001127699.2); short protein forms N155S.
Identifiers: ClinVar variation 969741 (VCV000969741.7), dbSNP rs778100225, ClinGen allele CA3495228.